The following is an entry in ClinVar:

ClinVar aggregate classification (germline): Uncertain significance (1 of 4 stars; one submission).

Conditions:
Familial thoracic aortic aneurysm and aortic dissection (TAAD). Also called: Thoracic aortic aneurysms and dissections. Identifiers: Orphanet 91387, MedGen C4707243, MONDO:0019625.

Submission:

Ambry Genetics
Classification: Uncertain significance for Familial thoracic aortic aneurysm and aortic dissection. Last evaluated: 2026-03-23. Review status: criteria provided, single submitter. Criteria: Ambry Variant Classification Scheme 2023. Collection method: clinical testing. Allele origin: germline.
Comment: The p.P1266Q variant (also known as c.3797C>A), located in coding exon 51 of the COL5A2 gene, results from a C to A substitution at nucleotide position 3797. The proline at codon 1266 is replaced by glutamine, an amino acid with similar properties. This amino acid position is conserved. In addition, this alteration is predicted to be deleterious by in silico analysis. Based on the available evidence, the clinical significance of this variant remains unclear.

NM_000393.5(COL5A2):c.3797C>A (p.Pro1266Gln)

Gene: COL5A2 (collagen type V alpha 2 chain; minus strand). Cytogenetic location: 2q32.2.
Variant type: single nucleotide variant.
Coding change: c.3797C>A on transcript NM_000393.5 (MANE Select); coding-DNA position 3797, C replaced by A.
Protein change: p.Pro1266Gln; replaces proline 1266 with glutamine.
Molecular consequence: missense variant.
Genome position (GRCh38, 1-based): chr2:189,039,400, G>T on the plus strand (C>A on the coding strand, the complement: COL5A2 is on the minus strand). VCF-style: chr2-189039400-G-T. GRCh37 (hg19) VCF-style: chr2-189904126-G-T.
Other names: short protein forms P1266Q.
Identifiers: ClinVar variation 4869264 (VCV004869264.1).